The following is an entry in ClinVar:

NM_006516.4(SLC2A1):c.1224_1225del (p.Phe409fs)

Gene: SLC2A1 (solute carrier family 2 member 1; minus strand). Cytogenetic location: 1p34.2.
Variant type: Deletion.
Coding change: c.1224_1225del on transcript NM_006516.4 (MANE Select); coding-DNA positions 1224 to 1225, 2 bases deleted (CT; older notation c.1224_1225delCT).
Protein change: p.Phe409fs; shifts the reading frame from phenylalanine 409.
Molecular consequence: frameshift variant.
Genome position (GRCh38, 1-based): chr1:42,927,658-42,927,659, AG deleted on the plus strand (CT on the coding strand, the reverse complement: SLC2A1 is on the minus strand). VCF-style (leftmost placement, unchanged base first): chr1-42927657-AAG-A. GRCh37 (hg19) VCF-style: chr1-43393328-AAG-A.
Other names: short protein forms F409fs.
Identifiers: ClinVar variation 1457033 (VCV001457033.6), dbSNP rs2124446266, ClinGen allele CA2573132285.

ClinVar aggregate classification (germline): Pathogenic (1 of 4 stars; one submission).

Conditions:
GLUT1 deficiency syndrome 1, autosomal recessive. Identifiers: MedGen C3149117.

Submission:

Labcorp Genetics (formerly Invitae), Labcorp
Classification: Pathogenic for GLUT1 deficiency syndrome 1, autosomal recessive. Last evaluated: 2021-06-28. Review status: criteria provided, single submitter. Criteria: Invitae Variant Classification Sherloc (09022015). Collection method: clinical testing. Allele origin: germline.
Comment: This sequence change creates a premature translational stop signal (p.Phe409Leufs*45) in the SLC2A1 gene. While this is not anticipated to result in nonsense mediated decay, it is expected to disrupt the last 84 amino acid(s) of the SLC2A1 protein. This variant is not present in population databases (ExAC no frequency). This variant has not been reported in the literature in individuals affected with SLC2A1-related conditions. Algorithms developed to predict the effect of sequence changes on RNA splicing suggest that this variant may create or strengthen a splice site. This variant disrupts a region of the SLC2A1 protein in which other variant(s) (p.Glu426*) have been determined to be pathogenic (Invitae). This suggests that this is a clinically significant region of the protein, and that variants that disrupt it are likely to be disease-causing. For these reasons, this variant has been classified as Pathogenic.